The following is an entry in ClinVar:

NM_005045.4(RELN):c.9274C>T (p.His3092Tyr)

Genes: SLC26A5-AS1 (SLC26A5 antisense RNA 1; plus strand), RELN (reelin; minus strand). Cytogenetic location: 7q22.1.
Variant type: single nucleotide variant.
Coding change: c.9274C>T on transcript NM_005045.4 (MANE Select); coding-DNA position 9274, C replaced by T.
Protein change: p.His3092Tyr; replaces histidine 3092 with tyrosine.
Molecular consequence: missense variant.
Genome position (GRCh38, 1-based): chr7:103,495,818, G>A on the plus strand (C>T on the coding strand, the complement: RELN is on the minus strand). VCF-style: chr7-103495818-G-A. GRCh37 (hg19) VCF-style: chr7-103136265-G-A.
Other names: c.9274C>T, p.His3092Tyr (NM_173054.3); short protein forms H3092Y.
Identifiers: ClinVar variation 3751321 (VCV003751321.2).

ClinVar aggregate classification (germline): Uncertain significance (1 of 4 stars; one submission).

Conditions:
Familial temporal lobe epilepsy 7. Identifiers: Orphanet 101046, MedGen C4225327, MONDO:0014639, OMIM 616436.
Norman-Roberts syndrome (LIS2). Also called: Lissencephaly 2 (Norman-Roberts type). Identifiers: Orphanet 89844, MedGen C0796089, MONDO:0009760, OMIM 257320.

Submission:

Labcorp Genetics (formerly Invitae), Labcorp
Classification: Uncertain significance for Familial temporal lobe epilepsy 7; Norman-Roberts syndrome. Last evaluated: 2024-08-13. Review status: criteria provided, single submitter. Criteria: Invitae Variant Classification Sherloc (09022015). Collection method: clinical testing. Allele origin: germline.
Comment: This sequence change replaces histidine, which is basic and polar, with tyrosine, which is neutral and polar, at codon 3092 of the RELN protein (p.His3092Tyr). This variant is not present in population databases (gnomAD no frequency). This variant has not been reported in the literature in individuals affected with RELN-related conditions. Advanced modeling of protein sequence and biophysical properties (such as structural, functional, and spatial information, amino acid conservation, physicochemical variation, residue mobility, and thermodynamic stability) performed at Invitae indicates that this missense variant is not expected to disrupt RELN protein function with a negative predictive value of 80%. In summary, the available evidence is currently insufficient to determine the role of this variant in disease. Therefore, it has been classified as a Variant of Uncertain Significance.